The following is an entry in ClinVar:

ClinVar aggregate classification (germline): Pathogenic. Review status: criteria provided, multiple submitters, no conflicts (2 of 4 stars). 18 submissions from 18 submitters: Pathogenic (18). Last evaluated 2026-03-13.

Conditions:
BTD-related disorder. Also called: BTD-related condition.
Inborn genetic diseases. Identifiers: MedGen C0950123, MeSH D030342.
Biotinidase deficiency. Also called: Biotin deficiency; BTD deficiency; Late-onset biotin-responsive multiple carboxylase deficiency. Identifiers: Orphanet 79241, MedGen C0220754, MONDO:0009665, OMIM 253260.

Allele frequency attached by ClinVar (database versions not stated): TOPMed 0.00011; gnomAD exomes 0.00011 and 0.00020; gnomAD 0.00015 and 0.00016; ExAC 0.00013; ESP Exome Variant Server 0.00023.
gnomAD v4.1: 336 of 1,613,628 alleles (0.021%); highest among the groups gnomAD compares: Non-Finnish European, 0.025%; 1 homozygote.

Submissions 1 to 12 of 18:

Women's Health and Genetics/Laboratory Corporation of America, LabCorp
Classification: Pathogenic for Biotinidase deficiency. Last evaluated: 2026-03-13. Review status: criteria provided, single submitter. Criteria: LabCorp Variant Classification Summary - May 2015. Collection method: clinical testing. Allele origin: germline.
Comment: Variant summary: BTD c.410G>A (p.Arg137His) results in a non-conservative amino acid change in the encoded protein sequence. Algorithms developed to predict the effect of missense changes on protein structure and function all suggest that this variant is likely to be disruptive. The variant allele was found at a frequency of 0.00011 in 250768 control chromosomes. This frequency is not significantly higher than estimated for disease-causing variants in BTD, allowing no conclusion about variant significance. c.410G>A has been observed in the literature in multiple homozygous and compound heterozygous individuals affected with profound or partial Biotinidase Deficiency (e.g. Canda_2018). These data indicate that the variant is very likely to be associated with disease. To our knowledge, no experimental evidence demonstrating an impact on protein function has been reported. The following publication has been ascertained in the context of this evaluation (PMID: 29995633). ClinVar contains an entry for this variant (Variation ID: 38290). Based on the evidence outlined above, the variant was classified as pathogenic.

Labcorp Genetics (formerly Invitae), Labcorp
Classification: Pathogenic for Biotinidase deficiency. Last evaluated: 2026-02-03. Review status: criteria provided, single submitter. Criteria: Invitae Variant Classification Sherloc (09022015). Collection method: clinical testing. Allele origin: germline.
Comment: This sequence change replaces arginine, which is basic and polar, with histidine, which is basic and polar, at codon 157 of the BTD protein (p.Arg157His). This variant is present in population databases (rs146015592, gnomAD 0.02%). This missense change has been observed in individual(s) with biotinidase deficicency (PMID: 9396567, 11313766, 20224900, 22698809). In at least one individual the data is consistent with being in trans (on the opposite chromosome) from a pathogenic variant. ClinVar contains an entry for this variant (Variation ID: 38290). Invitae Evidence Modeling of protein sequence and biophysical properties (such as structural, functional, and spatial information, amino acid conservation, physicochemical variation, residue mobility, and thermodynamic stability) indicates that this missense variant is expected to disrupt BTD protein function with a positive predictive value of 95%. For these reasons, this variant has been classified as Pathogenic.

PreventionGenetics, part of Exact Sciences
Classification: Pathogenic for BTD-related condition. Last evaluated: 2025-12-04. Review status: criteria provided, single submitter. Criteria: ACMG Guidelines, 2015. Collection method: clinical testing. Allele origin: germline.
Comment: The BTD c.470G>A variant is predicted to result in the amino acid substitution p.Arg157His. This variant has been reported as one of the most common pathogenic variants associated with biotinidase deficiency in Turkish population (Karaca et al. 2015. PubMed ID: 25754625; Seker Yilmaz et al. 2018. PubMed ID: 29353266; Ercan et al. 2020. PubMed ID: 33189081). This variant has been reported in the homozygous or compound heterozygous states in multiple individuals with profound to partial biotinidase deficiency (Pomponio et al. 2000. PubMed ID: 10801053; Mühl et al. 2001. PubMed ID: 11313766; Cowan et al. 2012. PubMed ID: 22698809; Karaca et al. 2015. PubMed ID: 25754625; Wiltink et al. 2016. PubMed ID: 27329734; Seker Yilmaz et al. 2018. PubMed ID: 29353266; Ercan et al. 2020. PubMed ID: 33189081). This variant is reported in 0.019% of alleles in individuals of European (Non-Finnish) descent in gnomAD and is reported as pathogenic in ClinVar (Variation ID: 38290). This variant is interpreted as pathogenic.

Natera, Inc.
Classification: Pathogenic for Biotinidase deficiency. Last evaluated: 2025-09-21. Review status: criteria provided, single submitter. Criteria: Natera Variant Classification Schema (03/2026). Collection method: clinical testing. Allele origin: germline.
Comment: The c.410G>A variant in BTD is a missense variant predicted to cause substitution of arginine to histidine at amino acid 137. This variant is rare in the general population with a frequency below the threshold expected for the associated phenotype(s). This variant has been observed in one or more individuals affected with the associated recessive disease, as either homozygous or compound heterozygous with a second variant (PMID: 34448386, 35195902). Computational prediction algorithms indicate this variant is likely to affect gene or protein function. Given the available evidence, this variant is classified as Pathogenic.

Ambry Genetics
Classification: Pathogenic for Inborn genetic diseases. Last evaluated: 2025-06-13. Review status: criteria provided, single submitter. Criteria: Ambry Variant Classification Scheme 2023. Collection method: clinical testing. Allele origin: germline.
Comment: The c.470G>A (p.R157H) alteration is located in exon 4 (coding exon 4) of the BTD gene. This alteration results from a G to A substitution at nucleotide position 470, causing the arginine (R) at amino acid position 157 to be replaced by a histidine (H). Based on data from gnomAD, the A allele has an overall frequency of 0.01% (29/282134) total alleles studied. The highest observed frequency was 0.019% (24/128710) of European (non-Finnish) alleles. This variant has been identified in the homozygous state and/or in conjunction with other BTD variant(s) in individual(s) with features consistent with biotinidase deficiency; in at least one instance, the variants were identified in trans (S&uuml;r&uuml;c&uuml; Kara, 2023; Forny, 2022; Tangeraas, 2020; Gannavarapu, 2015; Cowan, 2012; Ohlsson, 2010; M&uuml;hl, 2001; Pomponio, 1997). This amino acid position is not well conserved in available vertebrate species. This alteration is predicted to be deleterious by in silico analysis. Based on the available evidence, this alteration is classified as pathogenic.

Institute of Human Genetics, University of Leipzig Medical Center
Classification: Pathogenic for Biotinidase deficiency. Last evaluated: 2025-04-30. Review status: criteria provided, single submitter. Criteria: ACMG Guidelines, 2015. Collection method: clinical testing. Allele origin: unknown. Inheritance: Autosomal recessive inheritance. Affected: yes.
Comment: Criteria applied: PM3_VSTR,PM5,PM1_SUP

Variantyx, Inc.
Classification: Pathogenic for Biotinidase deficiency. Last evaluated: 2025-03-04. Review status: criteria provided, single submitter. Criteria: Variantyx Assertion Criteria 2022. Collection method: clinical testing. Allele origin: germline. Inheritance: Autosomal recessive inheritance. Affected: no.
Comment: This is a nonsynonymous variant in the BTD gene (OMIM: 609019). Pathogenic variants in this gene have been associated with autosomal recessive biotinidase deficiency. This variant has been identified in the homozygous or compound heterozygous state in the current proband and at least 12 individuals reported in the published literature (PMID: 29353266, 20224900, 27329734, 27657684, 11313766, 9396567) (PM3). AComputational algorithms produce conflicting evidence regarding the predicted functional impact of this variant (REVEL score: 0.589), but an alternate amino acid change at this position (p.Arg137Cys) have been previously reported in similarly affected individuals, which suggests that this residue is biologically important (PMID: 17185019, 20224900) (PM5). This variant has a 0.0248% maximum allele frequency in non-founder control populations (PM2). Based on the current evidence, this variant is classified as pathogenic for autosomal recessive biotinidase deficiency.No other variant of clinical significance was identified in the BTD gene.

Revvity Omics, Revvity
Classification: Pathogenic for Biotinidase deficiency. Last evaluated: 2025-01-29. Review status: criteria provided, single submitter. Criteria: ACMG Guidelines, 2015. Collection method: clinical testing. Allele origin: germline.

Blueprint Genetics
Classification: Pathogenic for BTD-related disorders. Last evaluated: 2024-08-16. Review status: criteria provided, single submitter. Criteria: ACMG Guidelines, 2015. Collection method: clinical testing. Allele origin: germline. Affected: yes. Observed: 5 variant alleles.

Fulgent Genetics
Classification: Pathogenic for Biotinidase deficiency. Last evaluated: 2024-06-07. Review status: criteria provided, single submitter. Criteria: ACMG Guidelines, 2015. Collection method: clinical testing. Allele origin: germline.

Baylor Genetics
Classification: Pathogenic for Biotinidase deficiency. Last evaluated: 2024-03-25. Review status: criteria provided, single submitter. Criteria: ACMG Guidelines, 2015. Collection method: clinical testing. Allele origin: unknown.

Department of Human Genetics, Hannover Medical School
Classification: Pathogenic for Biotinidase deficiency. Last evaluated: 2023-11-15. Review status: criteria provided, single submitter. Criteria: ACMG Guidelines, 2015. Collection method: clinical testing. Allele origin: germline. Affected: yes.

NM_001370658.1(BTD):c.410G>A (p.Arg137His)

Gene: BTD (biotinidase; plus strand). Cytogenetic location: 3p25.1.
Variant type: single nucleotide variant.
Coding change: c.410G>A on transcript NM_001370658.1 (MANE Select); coding-DNA position 410, G replaced by A.
Protein change: p.Arg137His; replaces arginine 137 with histidine.
Molecular consequence: missense variant. On other transcripts: intron variant (1).
Genome position (GRCh38, 1-based): chr3:15,644,326, G>A. VCF-style: chr3-15644326-G-A. GRCh37 (hg19) VCF-style: chr3-15685833-G-A.
Other names: R157H; c.410G>A, p.Arg137His (NM_001407373.1, NM_001407374.1, NM_001407375.1 and 18 more transcripts); c.399+2269G>A (NM_001370753.1); c.470G>A, p.Arg157His (NM_000060.4); short protein forms R137H.
Identifiers: ClinVar variation 38290 (VCV000038290.38), dbSNP rs146015592, ClinGen allele CA220323.